The following is an entry in ClinVar:

NM_015335.5(MED13L):c.6022G>T (p.Ala2008Ser)

Gene: MED13L (mediator complex subunit 13L; minus strand). Cytogenetic location: 12q24.21.
Variant type: single nucleotide variant.
Coding change: c.6022G>T on transcript NM_015335.5 (MANE Select); coding-DNA position 6022, G replaced by T.
Protein change: p.Ala2008Ser; replaces alanine 2008 with serine.
Molecular consequence: missense variant.
Genome position (GRCh38, 1-based): chr12:115,970,639, C>A on the plus strand (G>T on the coding strand, the complement: MED13L is on the minus strand). VCF-style: chr12-115970639-C-A. GRCh37 (hg19) VCF-style: chr12-116408444-C-A.
Other names: short protein forms A2008S.
Identifiers: ClinVar variation 3340727 (VCV003340727.2).

ClinVar aggregate classification (germline): Likely pathogenic (1 of 4 stars; one submission).

Submission:

GeneDx
Classification: Likely pathogenic. Last evaluated: 2026-07-11. Review status: criteria provided, single submitter. Criteria: GeneDx Variant Classification Process June 2021. Collection method: clinical testing. Allele origin: germline.
Comment: Not observed at significant frequency in large population cohorts (gnomAD); In silico analysis suggests that this missense variant does not alter protein structure/function; Has not been previously published as pathogenic or benign to our knowledge